The following is an entry in ClinVar:

NM_025074.7(FRAS1):c.3656A>G (p.Tyr1219Cys)

Gene: FRAS1 (Fraser extracellular matrix complex subunit 1; plus strand). Cytogenetic location: 4q21.21.
Variant type: single nucleotide variant.
Coding change: c.3656A>G on transcript NM_025074.7 (MANE Select); coding-DNA position 3656, A replaced by G.
Protein change: p.Tyr1219Cys; replaces tyrosine 1219 with cysteine.
Molecular consequence: missense variant.
Genome position (GRCh38, 1-based): chr4:78,387,382, A>G. VCF-style: chr4-78387382-A-G. GRCh37 (hg19) VCF-style: chr4-79308536-A-G.
Other names: c.3656A>G (NM_025074.6); c.3656A>G, p.Tyr1219Cys (NM_001166133.2); short protein forms Y1219C.
Identifiers: ClinVar variation 4967466 (VCV004967466.2).

ClinVar aggregate classification (germline): Uncertain significance. Review status: criteria provided, multiple submitters, no conflicts (2 of 4 stars). 2 submissions from 2 submitters: Uncertain significance (2). Last evaluated 2025-01-04.

Conditions:
FRAS1-related disorder. Also called: FRAS1-related condition.

gnomAD v4.1: 46 of 1,605,780 alleles (0.0029%); highest among the groups gnomAD compares: African/African-American, 0.019%; no homozygotes.

Submissions (2):

PreventionGenetics, part of Exact Sciences
Classification: Uncertain significance for FRAS1-related condition. Last evaluated: 2025-01-04. Review status: criteria provided, single submitter. Criteria: ACMG Guidelines, 2015. Collection method: clinical testing. Allele origin: germline.
Comment: The FRAS1 c.3656A>G variant is predicted to result in the amino acid substitution p.Tyr1219Cys. To our knowledge, this variant has not been reported in the literature. This variant is reported in 0.037% of alleles in individuals of African descent in gnomAD. At this time, the clinical significance of this variant is uncertain due to the absence of conclusive functional and genetic evidence.

Blueprint Genetics
Classification: Uncertain significance. Last evaluated: 2020-02-28. Review status: criteria provided, single submitter. Criteria: ACMG Guidelines, 2015. Collection method: clinical testing. Allele origin: germline.